The following is an entry in ClinVar:

NM_005807.6(PRG4):c.2717C>T (p.Ala906Val)

Gene: PRG4 (proteoglycan 4; plus strand). Cytogenetic location: 1q31.1.
Variant type: single nucleotide variant.
Coding change: c.2717C>T on transcript NM_005807.6 (MANE Select); coding-DNA position 2717, C replaced by T.
Protein change: p.Ala906Val; replaces alanine 906 with valine.
Molecular consequence: missense variant.
Genome position (GRCh38, 1-based): chr1:186,308,436, C>T. VCF-style: chr1-186308436-C-T. GRCh37 (hg19) VCF-style: chr1-186277568-C-T.
Other names: c.2594C>T, p.Ala865Val (NM_001127708.3); c.2438C>T, p.Ala813Val (NM_001127709.3); c.2315C>T, p.Ala772Val (NM_001127710.3); c.2588C>T, p.Ala863Val (NM_001303232.2); short protein forms A772V, A813V, A863V, A865V, A906V.
Identifiers: ClinVar variation 1690443 (VCV001690443.3), dbSNP rs78889600, ClinGen allele CA1296481.

ClinVar aggregate classification (germline): Likely benign. Review status: criteria provided, multiple submitters, no conflicts (2 of 4 stars). 2 submissions from 2 submitters: Likely benign (2). Last evaluated 2021-09-01.

Allele frequency attached by ClinVar (database versions not stated): gnomAD exomes 0.00074; ExAC 0.00259; gnomAD 0.00742; TOPMed 0.00778; ESP Exome Variant Server 0.00807; 1000 Genomes Project 30x 0.00890; 1000 Genomes Project 0.00958.

Submissions (2):

Laboratorio de Genetica e Diagnostico Molecular, Hospital Israelita Albert Einstein
Classification: Likely benign. Last evaluated: 2021-09-01. Review status: criteria provided, single submitter. Criteria: ACMG Guidelines, 2015. Collection method: clinical testing. Allele origin: germline. Affected: yes.
Comment: ACMG classification criteria: BS2, BP4

Breakthrough Genomics
Classification: Likely benign. Review status: criteria provided, single submitter. Criteria: ACMG Guidelines, 2015. Collection method: not provided. Allele origin: germline. Inheritance: Autosomal recessive inheritance. Affected: yes.